The following is an entry in ClinVar:

ClinVar aggregate classification (germline): Pathogenic. Review status: criteria provided, multiple submitters, no conflicts (2 of 4 stars). 2 submissions from 2 submitters: Pathogenic (2). Last evaluated 2024-05-20.

Conditions:
Hereditary cancer-predisposing syndrome. Also called: Hereditary Cancer Syndrome; Hereditary neoplastic syndrome; Neoplastic Syndromes, Hereditary; Tumor predisposition. Identifiers: Orphanet 140162, MedGen C0027672, MeSH D009386, MONDO:0015356.
Retinoblastoma (RB1). Also called: RETINOBLASTOMA, SOMATIC. Identifiers: Orphanet 790, MedGen C0035335, MeSH D012175, MONDO:0008380, OMIM 180200, HP:0009919. Disease mechanism: loss of function. Inheritance: Both sporadic and heritable forms are tested..

Submissions (2):

Genetic Diagnostic Laboratory, University of Pennsylvania School of Medicine
Classification: Pathogenic for Retinoblastoma. Last evaluated: 2024-05-20. Review status: criteria provided, single submitter. Criteria: ACMG Guidelines, 2015. Collection method: clinical testing. Allele origin: germline. Affected: yes. Observed: 1 variant allele.
Comment: Case and Pedigree Information: BILATERAL CASES:1, UNILATERAL CASES:0, TOTAL CASES:1, PEDIGREES:1. ACMG Codes Applied:PVS1, PM2

Ambry Genetics
Classification: Pathogenic for Hereditary cancer-predisposing syndrome. Last evaluated: 2016-01-20. Review status: criteria provided, single submitter. Criteria: Ambry Variant Classification Scheme 2023. Collection method: clinical testing. Allele origin: germline.
Comment: The p.L468* pathogenic mutation (also known as c.1403T>G), located in coding exon 15 of the RB1 gene, results from a T to G substitution at nucleotide position 1403. This changes the amino acid from a leucine to a stop codon within coding exon 15. Since premature stop codons are typically deleterious in nature, this alteration is interpreted as a disease-causing mutation (ACMG Recommendations for Standards for Interpretation and Reporting of Sequence Variations. Revision 2007. Genet Med. 2008;10:294).

NM_000321.3(RB1):c.1403T>G (p.Leu468Ter)

Gene: RB1 (RB transcriptional corepressor 1; plus strand). Cytogenetic location: 13q14.2.
Variant type: single nucleotide variant.
Coding change: c.1403T>G on transcript NM_000321.3 (MANE Select); coding-DNA position 1403, T replaced by G.
Protein change: p.Leu468Ter; replaces leucine 468 with a stop codon.
Molecular consequence: nonsense.
Genome position (GRCh38, 1-based): chr13:48,380,066, T>G. VCF-style: chr13-48380066-T-G. GRCh37 (hg19) VCF-style: chr13-48954202-T-G.
Other names: c.1403T>G, p.Leu468Ter (NM_001407165.1, NM_001407166.1); short protein forms L468*.
Identifiers: ClinVar variation 1771864 (VCV001771864.3), dbSNP rs2138142263, ClinGen allele CA388162699.